The following is an entry in ClinVar:

NM_001292034.3(TAB2):c.1123A>G (p.Asn375Asp)

Genes: TAB2 (TGF-beta activated kinase 1 (MAP3K7) binding protein 2; plus strand), LOC126859827 (BRD4-independent group 4 enhancer GRCh37_chr6:149699707-149700906; plus strand). Cytogenetic location: 6q25.1.
Variant type: single nucleotide variant.
Coding change: c.1123A>G on transcript NM_001292034.3 (MANE Select); coding-DNA position 1123, A replaced by G.
Protein change: p.Asn375Asp; replaces asparagine 375 with aspartic acid.
Molecular consequence: missense variant.
Genome position (GRCh38, 1-based): chr6:149,379,038, A>G. VCF-style: chr6-149379038-A-G. GRCh37 (hg19) VCF-style: chr6-149700174-A-G.
Other names: c.1027A>G, p.Asn343Asp (NM_001292035.3); c.1123A>G, p.Asn375Asp (NM_001369506.1, NM_015093.6); short protein forms N375D, N343D.
Identifiers: ClinVar variation 1465717 (VCV001465717.8), dbSNP rs528763509, ClinGen allele CA4041490.
Genomic context (GRCh38, chr6:149,379,038, plus strand): 5'-GTCAATAGCCAGACCTTAAACAGAAATCAGCCCACTGTTTACATAGCTGCCAGCCCCCCA[A>G]ATACGGATGAGCTGATGTCCCGTAGTCAACCTAAGGTCTATATTTCAGCGAATGCTGCCA-3'
Protein context (NP_001278963.1, residues 365-385): PTVYIAASPP[Asn375Asp]TDELMSRSQP

ClinVar aggregate classification (germline): Uncertain significance (1 of 4 stars; one submission).

Allele frequency attached by ClinVar (database versions not stated): TOPMed below 0.00001; ExAC 0.00001; gnomAD exomes 0.00001; gnomAD 0.00002.
gnomAD v4.1: 6 of 1,614,038 alleles (0.00037%); highest among the groups gnomAD compares: Non-Finnish European, 0.00051%; no homozygotes.

Submission:

Labcorp Genetics (formerly Invitae), Labcorp
Classification: Uncertain significance. Last evaluated: 2025-08-18. Review status: criteria provided, single submitter. Criteria: Invitae Variant Classification Sherloc (09022015). Collection method: clinical testing. Allele origin: germline.
Comment: This sequence change replaces asparagine, which is neutral and polar, with aspartic acid, which is acidic and polar, at codon 375 of the TAB2 protein (p.Asn375Asp). This variant is not present in population databases (gnomAD no frequency). This variant has not been reported in the literature in individuals affected with TAB2-related conditions. ClinVar contains an entry for this variant (Variation ID: 1465717). Invitae Evidence Modeling of protein sequence and biophysical properties (such as structural, functional, and spatial information, amino acid conservation, physicochemical variation, residue mobility, and thermodynamic stability) indicates that this missense variant is not expected to disrupt TAB2 protein function with a negative predictive value of 80%. In summary, the available evidence is currently insufficient to determine the role of this variant in disease. Therefore, it has been classified as a Variant of Uncertain Significance.